The following is an entry in ClinVar:

ClinVar aggregate classification (germline): Likely benign (1 of 4 stars; one submission).

Allele frequency attached by ClinVar (database versions not stated): 1000 Genomes Project 30x 0.00281; ESP Exome Variant Server 0.00315; TOPMed 0.00318; 1000 Genomes Project 0.00319; gnomAD 0.00369; ExAC 0.00378; gnomAD exomes 0.00415.

Submission:

CeGaT Center for Human Genetics Tuebingen
Classification: Likely benign. Last evaluated: 2022-11-01. Review status: criteria provided, single submitter. Criteria: CeGaT Center For Human Genetics Tuebingen Variant Classification Criteria Version 2. Collection method: clinical testing. Allele origin: germline. Affected: yes. Observed: 1 variant allele.
Comment: EIF4ENIF1: BS2

NM_019843.4(EIF4ENIF1):c.97G>A (p.Glu33Lys)

Gene: EIF4ENIF1 (eukaryotic translation initiation factor 4E nuclear import factor 1; minus strand). Cytogenetic location: 22q12.2.
Variant type: single nucleotide variant.
Coding change: c.97G>A on transcript NM_019843.4 (MANE Select); coding-DNA position 97, G replaced by A.
Protein change: p.Glu33Lys; replaces glutamic acid 33 with lysine.
Molecular consequence: missense variant.
Genome position (GRCh38, 1-based): chr22:31,471,917, C>T on the plus strand (G>A on the coding strand, the complement: EIF4ENIF1 is on the minus strand). VCF-style: chr22-31471917-C-T. GRCh37 (hg19) VCF-style: chr22-31867903-C-T.
Other names: c.97G>A, p.Glu33Lys (NM_001164501.2, NM_001164502.2); short protein forms E33K.
Identifiers: ClinVar variation 1879552 (VCV001879552.29), dbSNP rs11544091, ClinGen allele CA10192848.